The following is an entry in ClinVar:

NM_000132.4(F8):c.4367G>A (p.Gly1456Glu)

Gene: F8 (coagulation factor VIII; minus strand). Cytogenetic location: Xq28.
Variant type: single nucleotide variant.
Coding change: c.4367G>A on transcript NM_000132.4 (MANE Select); coding-DNA position 4367, G replaced by A.
Protein change: p.Gly1456Glu; replaces glycine 1456 with glutamic acid.
Molecular consequence: missense variant.
Genome position (GRCh38, 1-based): chrX:154,929,423, C>T on the plus strand (G>A on the coding strand, the complement: F8 is on the minus strand). VCF-style: chrX-154929423-C-T. GRCh37 (hg19) VCF-style: chrX-154157698-C-T.
Other names: p.Gly1456Glu; short protein forms G1456E.
Identifiers: ClinVar variation 2683605 (VCV002683605.1), dbSNP rs369987201, ClinGen allele CA10568117.

ClinVar aggregate classification (germline): Uncertain significance (1 of 4 stars; one submission).

Allele frequency attached by ClinVar (database versions not stated): ExAC 0.00005; TOPMed 0.00005; gnomAD 0.00007; ESP Exome Variant Server 0.00009; 1000 Genomes Project 30x 0.00021; 1000 Genomes Project 0.00026; gnomAD exomes 0.00029.
gnomAD v4.1: 311 of 1,209,251 alleles (0.026%); highest among the groups gnomAD compares: Non-Finnish European, 0.034%; no homozygotes.

Submission:

Mayo Clinic Laboratories, Mayo Clinic
Classification: Uncertain significance. Last evaluated: 2023-02-02. Review status: criteria provided, single submitter. Criteria: ACMG Guidelines, 2015. Collection method: clinical testing. Allele origin: germline. Observed: 1 variant allele.
Comment: BS2, BP4, PM1, PM2